The following is an entry in ClinVar:

ClinVar aggregate classification (germline): Uncertain significance (1 of 4 stars; one submission).

gnomAD v4.1: 1 of 1,613,668 alleles (0.000062%); highest among the groups gnomAD compares: Non-Finnish European, 0.000085%; no homozygotes.

Submission:

CeGaT Center for Human Genetics Tuebingen
Classification: Uncertain significance. Last evaluated: 2024-07-01. Review status: criteria provided, single submitter. Criteria: CeGaT Center For Human Genetics Tuebingen Variant Classification Criteria Version 2. Collection method: clinical testing. Allele origin: germline. Affected: yes. Observed: 1 variant allele.
Comment: MYH11: PM2, PVS1:Moderate

NM_002474.3(MYH11):c.4792-2A>G

Genes: MYH11 (myosin heavy chain 11; minus strand), NDE1 (nudE neurodevelopment protein 1; plus strand). Cytogenetic location: 16p13.11.
Variant type: single nucleotide variant.
Coding change: c.4792-2A>G on transcript NM_002474.3 (MANE Select); the canonical splice acceptor site of the intron before coding-DNA position 4792, A replaced by G.
Molecular consequence: splice acceptor variant. On other transcripts: intron variant (2).
Genome position (GRCh38, 1-based): chr16:15,720,314, T>C on the plus strand (A>G on the coding strand, the complement: MYH11 is on the minus strand). VCF-style: chr16-15720314-T-C. GRCh37 (hg19) VCF-style: chr16-15814171-T-C.
Other names: c.948-3877T>C (NM_001143979.2, NM_017668.3); c.4792-2A>G (NM_022844.3); c.4813-2A>G (NM_001040114.2, NM_001040113.2).
Identifiers: ClinVar variation 3257402 (VCV003257402.17).
Genomic context (GRCh38, chr16:15,720,314, plus strand): 5'-GCAGCTGCCAGGGCACGTTGCTTTCGCTCGTCTTCCAGTTCCGTCTCATACTCGTGAAGC[T>C]GGGCGAGGAATAGAGATGTGTGCTGCCCCACTTGCCCCTGGGAGGTCCTTTGGCTCACCT-3'